The following is an entry in ClinVar:

NM_004380.3(CREBBP):c.497C>A (p.Pro166His)

Gene: CREBBP (CREB binding lysine acetyltransferase; minus strand). Cytogenetic location: 16p13.3.
Variant type: single nucleotide variant.
Coding change: c.497C>A on transcript NM_004380.3 (MANE Select); coding-DNA position 497, C replaced by A.
Protein change: p.Pro166His; replaces proline 166 with histidine.
Molecular consequence: missense variant.
Genome position (GRCh38, 1-based): chr16:3,850,598, G>T on the plus strand (C>A on the coding strand, the complement: CREBBP is on the minus strand). VCF-style: chr16-3850598-G-T. GRCh37 (hg19) VCF-style: chr16-3900599-G-T.
Other names: c.497C>A, p.Pro166His (NM_001079846.1); short protein forms P166H.
Identifiers: ClinVar variation 56906 (VCV000056906.7), dbSNP rs374119348, ClinGen allele CA215984.

ClinVar aggregate classification (germline): Uncertain significance. Review status: criteria provided, single submitter (1 of 4 stars). 2 submissions from 2 submitters: Uncertain significance (1). 1 of the submissions does not count toward it. Last evaluated 2013-05-10.

Conditions:
CREBBP-related disorder. Also called: CREBBP-related disorders; CREBBP-related condition.

Allele frequency attached by ClinVar (database versions not stated): gnomAD 0.00001; ESP Exome Variant Server 0.00008; gnomAD exomes below 0.00001; TOPMed below 0.00001; ExAC 0.00001.
gnomAD v4.1: 20 of 1,614,140 alleles (0.0012%); highest among the groups gnomAD compares: Non-Finnish European, 0.0014%; no homozygotes.

Submissions (2):

Eurofins Ntd Llc (ga)
Classification: Uncertain significance. Last evaluated: 2013-05-10. Review status: criteria provided, single submitter. Criteria: EGL Classification Definitions 2015. Collection method: clinical testing. Allele origin: germline. Observed: 1 variant allele, 1 heterozygote.

PreventionGenetics, part of Exact Sciences
Classification: Uncertain significance for CREBBP-related condition. Last evaluated: 2024-03-05. Review status: no assertion criteria provided. Collection method: clinical testing. Allele origin: germline. Not counted in ClinVar's aggregate classification.
Comment: The CREBBP c.497C>A variant is predicted to result in the amino acid substitution p.Pro166His. To our knowledge, this variant has not been reported in the literature. This variant is reported in 0.00088% of alleles in individuals of European (Non-Finnish) descent in gnomAD. At this time, the clinical significance of this variant is uncertain due to the absence of conclusive functional and genetic evidence.